The following is an entry in ClinVar:

ClinVar aggregate classification (germline): Uncertain significance (1 of 4 stars; one submission).

Conditions:
Hereditary sensory and autonomic neuropathy type 1 (HSAN1). Also called: HSAN 1; HSN Type I; Hereditary Sensory Neuropathy Type I. Identifiers: Orphanet 36386, MedGen C0020071, MONDO:0018213.

Allele frequency attached by ClinVar (database versions not stated): gnomAD exomes below 0.00001; ExAC 0.00001.
gnomAD v4.1: 4 of 1,613,858 alleles (0.00025%); highest among the groups gnomAD compares: Non-Finnish European, 0.00034%; no homozygotes.

Submission:

Labcorp Genetics (formerly Invitae), Labcorp
Classification: Uncertain significance for Hereditary sensory and autonomic neuropathy type 1. Last evaluated: 2023-04-11. Review status: criteria provided, single submitter. Criteria: Invitae Variant Classification Sherloc (09022015). Collection method: clinical testing. Allele origin: germline.
Comment: Advanced modeling of protein sequence and biophysical properties (such as structural, functional, and spatial information, amino acid conservation, physicochemical variation, residue mobility, and thermodynamic stability) performed at Invitae indicates that this missense variant is not expected to disrupt SPTLC1 protein function. This sequence change replaces cysteine, which is neutral and slightly polar, with serine, which is neutral and polar, at codon 318 of the SPTLC1 protein (p.Cys318Ser). This variant is present in population databases (rs778271182, gnomAD 0.0009%). This variant has not been reported in the literature in individuals affected with SPTLC1-related conditions. In summary, the available evidence is currently insufficient to determine the role of this variant in disease. Therefore, it has been classified as a Variant of Uncertain Significance.

NM_006415.4(SPTLC1):c.952T>A (p.Cys318Ser)

Gene: SPTLC1 (serine palmitoyltransferase long chain base subunit 1; minus strand). Cytogenetic location: 9q22.31.
Variant type: single nucleotide variant.
Coding change: c.952T>A on transcript NM_006415.4 (MANE Select); coding-DNA position 952, T replaced by A.
Protein change: p.Cys318Ser; replaces cysteine 318 with serine.
Molecular consequence: missense variant.
Genome position (GRCh38, 1-based): chr9:92,047,645, A>T on the plus strand (T>A on the coding strand, the complement: SPTLC1 is on the minus strand). VCF-style: chr9-92047645-A-T. GRCh37 (hg19) VCF-style: chr9-94809927-A-T.
Other names: c.952T>A, p.Cys318Ser (NM_001281303.2); c.586T>A, p.Cys196Ser (NM_001368272.1); c.487T>A, p.Cys163Ser (NM_001368273.1); short protein forms C318S, C163S, C196S.
Identifiers: ClinVar variation 2793818 (VCV002793818.3), dbSNP rs778271182, ClinGen allele CA5121374.